The following is an entry in ClinVar:

NM_000287.4(PEX6):c.1613G>A (p.Arg538His)

Gene: PEX6 (peroxisomal biogenesis factor 6; minus strand). Cytogenetic location: 6p21.1.
Variant type: single nucleotide variant.
Coding change: c.1613G>A on transcript NM_000287.4 (MANE Select); coding-DNA position 1613, G replaced by A.
Protein change: p.Arg538His; replaces arginine 538 with histidine.
Molecular consequence: missense variant. On other transcripts: non-coding transcript variant (1).
Genome position (GRCh38, 1-based): chr6:42,968,365, C>T on the plus strand (G>A on the coding strand, the complement: PEX6 is on the minus strand). VCF-style: chr6-42968365-C-T. GRCh37 (hg19) VCF-style: chr6-42936103-C-T.
Other names: c.1349G>A, p.Arg450His (NM_001316313.2); short protein forms R538H, R450H.
Identifiers: ClinVar variation 972613 (VCV000972613.6), dbSNP rs559048081, ClinGen allele CA3811279.

ClinVar aggregate classification (germline): Uncertain significance. Review status: criteria provided, multiple submitters, no conflicts (2 of 4 stars). 3 submissions from 3 submitters: Uncertain significance (2). 1 of the submissions does not count toward it. Last evaluated 2026-02-27.

Conditions:
Peroxisome biogenesis disorder. Identifiers: Orphanet 79189, MedGen C1832200, MONDO:0019234. Disease mechanism: loss of function.
Zellweger spectrum disorders (ZS). Also called: Zellweger syndrome; Zellweger Spectrum Disorder (ZSD); Zellweger Spectrum Disorder; Zellweger Spectrum. Identifiers: Orphanet 912, MedGen C0043459, MONDO:0019609.
PEX6-related disorder. Also called: PEX6-related disorders; PEX6-related condition.

Allele frequency attached by ClinVar (database versions not stated): gnomAD 0.00005; TOPMed 0.00005; ExAC 0.00006; gnomAD exomes 0.00006; 1000 Genomes Project 30x 0.00031; 1000 Genomes Project 0.00040.
gnomAD v4.1: 46 of 1,614,160 alleles (0.0028%); highest among the groups gnomAD compares: East Asian, 0.029%; no homozygotes.

Submissions (3):

PreventionGenetics, part of Exact Sciences
Classification: Uncertain significance for PEX6-related condition. Last evaluated: 2026-02-27. Review status: criteria provided, single submitter. Criteria: ACMG Guidelines, 2015. Collection method: clinical testing. Allele origin: germline.
Comment: The PEX6 c.1613G>A variant is predicted to result in the amino acid substitution p.Arg538His. To our knowledge, this variant has not been reported in the literature. This variant is reported in 0.045% of alleles in individuals of East Asian descent in gnomAD. At this time, the clinical significance of this variant is uncertain due to the absence of conclusive functional and genetic evidence.

Labcorp Genetics (formerly Invitae), Labcorp
Classification: Uncertain significance for Peroxisome biogenesis disorder. Last evaluated: 2022-09-01. Review status: criteria provided, single submitter. Criteria: Invitae Variant Classification Sherloc (09022015). Collection method: clinical testing. Allele origin: germline.
Comment: This sequence change replaces arginine, which is basic and polar, with histidine, which is basic and polar, at codon 538 of the PEX6 protein (p.Arg538His). This variant is present in population databases (rs559048081, gnomAD 0.04%). This variant has not been reported in the literature in individuals affected with PEX6-related conditions. ClinVar contains an entry for this variant (Variation ID: 972613). Algorithms developed to predict the effect of missense changes on protein structure and function are either unavailable or do not agree on the potential impact of this missense change (SIFT: "Tolerated"; PolyPhen-2: "Probably Damaging"; Align-GVGD: "Class C0"). In summary, the available evidence is currently insufficient to determine the role of this variant in disease. Therefore, it has been classified as a Variant of Uncertain Significance.

Natera, Inc.
Classification: Uncertain significance for Zellweger syndrome. Last evaluated: 2019-12-23. Review status: no assertion criteria provided. Collection method: clinical testing. Allele origin: germline. Not counted in ClinVar's aggregate classification.